The following is an entry in ClinVar:

NM_001166114.2(PNPLA6):c.797G>A (p.Gly266Asp)

Gene: PNPLA6 (patatin like domain 6, lysophospholipase; plus strand). Cytogenetic location: 19p13.2.
Variant type: single nucleotide variant.
Coding change: c.797G>A on transcript NM_001166114.2 (MANE Select); coding-DNA position 797, G replaced by A.
Protein change: p.Gly266Asp; replaces glycine 266 with aspartic acid.
Molecular consequence: missense variant.
Genome position (GRCh38, 1-based): chr19:7,540,924, G>A. VCF-style: chr19-7540924-G-A. GRCh37 (hg19) VCF-style: chr19-7605810-G-A.
Other names: c.824G>A, p.Gly275Asp (NM_001166111.2); c.680G>A, p.Gly227Asp (NM_001166112.2, NM_001166113.1, NM_006702.5); short protein forms G275D, G227D, G266D.
Identifiers: ClinVar variation 1414163 (VCV001414163.8), dbSNP rs2146053653, ClinGen allele CA403105898.

ClinVar aggregate classification (germline): Uncertain significance (1 of 4 stars; one submission).

Conditions:
Hereditary spastic paraplegia 39 (SPG39). Also called: SPASTIC PARAPLEGIA 39, AUTOSOMAL RECESSIVE; Spastic Paraplegia Type 39 (SPG39). Identifiers: Orphanet 139480, MedGen C2677586, MONDO:0012787, OMIM 612020.

Allele frequency attached by ClinVar (database versions not stated): gnomAD exomes below 0.00001.
gnomAD v4.1: 1 of 1,612,984 alleles (0.000062%); highest among the groups gnomAD compares: East Asian, 0.0022%; no homozygotes.

Submission:

Labcorp Genetics (formerly Invitae), Labcorp
Classification: Uncertain significance for Hereditary spastic paraplegia 39. Last evaluated: 2021-06-22. Review status: criteria provided, single submitter. Criteria: Invitae Variant Classification Sherloc (09022015). Collection method: clinical testing. Allele origin: germline.
Comment: This variant is not present in population databases (ExAC no frequency). This variant has not been reported in the literature in individuals affected with PNPLA6-related conditions. Algorithms developed to predict the effect of missense changes on protein structure and function are either unavailable or do not agree on the potential impact of this missense change (SIFT: "Tolerated"; PolyPhen-2: "Probably Damaging"; Align-GVGD: "Class C0"). In summary, the available evidence is currently insufficient to determine the role of this variant in disease. Therefore, it has been classified as a Variant of Uncertain Significance. This sequence change replaces glycine with aspartic acid at codon 227 of the PNPLA6 protein (p.Gly227Asp). The glycine residue is moderately conserved and there is a moderate physicochemical difference between glycine and aspartic acid.